The following is an entry in ClinVar:

NM_003128.3(SPTBN1):c.785A>T (p.Asp262Val)

Gene: SPTBN1 (spectrin beta, non-erythrocytic 1; plus strand). Cytogenetic location: 2p16.2.
Variant type: single nucleotide variant.
Coding change: c.785A>T on transcript NM_003128.3 (MANE Select); coding-DNA position 785, A replaced by T.
Protein change: p.Asp262Val; replaces aspartic acid 262 with valine.
Molecular consequence: missense variant.
Genome position (GRCh38, 1-based): chr2:54,621,421, A>T. VCF-style: chr2-54621421-A-T. GRCh37 (hg19) VCF-style: chr2-54848558-A-T.
Other names: c.746A>T, p.Asp249Val (NM_178313.3); short protein forms D249V, D262V.
Identifiers: ClinVar variation 4293501 (VCV004293501.1).

ClinVar aggregate classification (germline): Uncertain significance (1 of 4 stars; one submission).

Conditions:
Developmental delay, impaired speech, and behavioral abnormalities. Identifiers: MedGen C5561957, MONDO:0859178, OMIM 619475.

Submission:

3billion
Classification: Uncertain significance for Developmental delay, impaired speech, and behavioral abnormalities. Last evaluated: 2024-09-12. Review status: criteria provided, single submitter. Criteria: ACMG Guidelines, 2015. Collection method: clinical testing. Allele origin: germline. Affected: yes.
Comment: The variant is not observed in the gnomAD v4.0.0 dataset. Predicted Consequence/Location: Missense variant In silico tool predictions suggest damaging effect of the variant on gene or gene product [REVEL: 0.94 (>=0.6, sensitivity 0.68 and specificity 0.92); 3Cnet: 0.99 (>=0.6, sensitivity 0.72 and precision 0.9)]. Therefore, this variant is classified as VUS according to the recommendation of ACMG/AMP guideline.